The following is an entry in ClinVar:

ClinVar aggregate classification (germline): Uncertain significance. Review status: criteria provided, multiple submitters, no conflicts (2 of 4 stars). 2 submissions from 2 submitters: Uncertain significance (2). Last evaluated 2026-04-08.

Conditions:
Junctional epidermolysis bullosa with pyloric atresia. Also called: APLASIA CUTIS CONGENITA WITH GASTROINTESTINAL ATRESIA; CARMI SYNDROME; EB-PA-ACC; ITGB4-Related Epidermolysis Bullosa with Pyloric Atresia; Epidermolysis bullosa, junctional, with pyloric atresia and aplasia cutis congenita; Epidermolysis bullosa junctionalis with pyloric atresia. Identifiers: Orphanet 79403, MedGen C5676875, MONDO:0009183, OMIM 226730.
Epidermolysis bullosa, junctional 5A, intermediate. Also called: EPIDERMOLYSIS BULLOSA, JUNCTIONAL 5A, GENERALIZED INTERMEDIATE; EPIDERMOLYSIS BULLOSA, JUNCTIONAL 5A, NON-HERLITZ TYPE. Identifiers: MedGen C5676956, MONDO:0030768, OMIM 619816.

gnomAD v4.1: 33 of 1,613,732 alleles (0.002%); highest among the groups gnomAD compares: East Asian, 0.038%; no homozygotes.

Submissions (2):

GeneDx
Classification: Uncertain significance. Last evaluated: 2026-04-08. Review status: criteria provided, single submitter. Criteria: GeneDx Variant Classification Process June 2021. Collection method: clinical testing. Allele origin: germline.
Comment: In silico analysis supports that this missense variant has a deleterious effect on protein structure/function; Has not been previously published as pathogenic or benign to our knowledge

Fulgent Genetics
Classification: Uncertain significance for Junctional epidermolysis bullosa with pyloric atresia; Epidermolysis bullosa, junctional 5A, intermediate. Last evaluated: 2024-03-28. Review status: criteria provided, single submitter. Criteria: ACMG Guidelines, 2015. Collection method: clinical testing. Allele origin: germline.

NM_000213.5(ITGB4):c.1036G>C (p.Gly346Arg)

Gene: ITGB4 (integrin subunit beta 4; plus strand). Cytogenetic location: 17q25.1.
Variant type: single nucleotide variant.
Coding change: c.1036G>C on transcript NM_000213.5 (MANE Select); coding-DNA position 1036, G replaced by C.
Protein change: p.Gly346Arg; replaces glycine 346 with arginine.
Molecular consequence: missense variant.
Genome position (GRCh38, 1-based): chr17:75,730,908, G>C. VCF-style: chr17-75730908-G-C. GRCh37 (hg19) VCF-style: chr17-73726989-G-C.
Other names: c.1036G>C (NM_000213.3); c.1036G>C, p.Gly346Arg (NM_001005619.2, NM_001005731.3, NM_001321123.2); short protein forms G346R.
Identifiers: ClinVar variation 3582860 (VCV003582860.2).
Genomic context (GRCh38, chr17:75,730,908, plus strand): 5'-CCTGAGACCTGGCCTTCTCTCCCGCAGAAGCTTCACACCTATTTCCCTGTCTCCTCACTG[G>C]GGGTGCTGCAGGAGGACTCGTCCAACATCGTGGAGCTGCTGGAGGAGGCCTTCAATGTGA-3'
Protein context (NP_000204.3, residues 336-356): LHTYFPVSSL[Gly346Arg]VLQEDSSNIV